The following is an entry in ClinVar:

ClinVar aggregate classification (germline): Uncertain significance (1 of 4 stars; one submission).

Conditions:
Nephrotic syndrome, type 20. Identifiers: MedGen C5193011, MONDO:0026726, OMIM 301028.

Allele frequency attached by ClinVar (database versions not stated): gnomAD exomes 0.00001.
gnomAD v4.1: 6 of 1,210,865 alleles (0.0005%); highest among the groups gnomAD compares: Non-Finnish European, 0.00067%; no homozygotes.

Submission:

MVZ Medizinische Genetik Mainz
Classification: Uncertain significance for Nephrotic syndrome, type 20. Last evaluated: 2021-09-24. Review status: criteria provided, single submitter. Criteria: UK Practice Guidelines For Variant Classification V4 01 2020. Collection method: clinical testing. Allele origin: germline. Inheritance: Unknown mechanism. Affected: yes. Observed: 1 variant allele.
Comment: ACMG Criteria: PM2_SUP, PP3 (ACMG Version 3)

NM_017752.3(TBC1D8B):c.20A>G (p.Glu7Gly)

Gene: TBC1D8B (TBC1 domain family member 8B; plus strand). Cytogenetic location: Xq22.3.
Variant type: single nucleotide variant.
Coding change: c.20A>G on transcript NM_017752.3 (MANE Select); coding-DNA position 20, A replaced by G.
Protein change: p.Glu7Gly; replaces glutamic acid 7 with glycine.
Molecular consequence: missense variant.
Genome position (GRCh38, 1-based): chrX:106,802,873, A>G. VCF-style: chrX-106802873-A-G. GRCh37 (hg19) VCF-style: chrX-106046103-A-G.
Other names: c.20A>G, p.Glu7Gly (NM_198881.2); short protein forms E7G.
Identifiers: ClinVar variation 3068408 (VCV003068408.1), dbSNP rs2521506378, ClinGen allele CA413811422.
Genomic context (GRCh38, chrX:106,802,873, plus strand): 5'-GGGCATCTAGGTCACTGCTCCCGGGGGGCACAAAGTTCGCGATGTGGCTGAAGCCTGAGG[A>G]AGTGCTTCTGAAAAATGCGCTGAAGCTGTGGCTGATGGAAAGGTCCAACGACTACTTCGT-3'
Protein context (NP_060222.2, residues 1-17): MWLKPE[Glu7Gly]VLLKNALKLW